The following is an entry in ClinVar:

NM_000603.5(NOS3):c.1264G>A (p.Ala422Thr)

Genes: NOS3 (nitric oxide synthase 3; plus strand), LOC126860224 (CDK7 strongly-dependent group 2 enhancer GRCh37_chr7:150698330-150699529; plus strand). Cytogenetic location: 7q36.1.
Variant type: single nucleotide variant.
Coding change: c.1264G>A on transcript NM_000603.5 (MANE Select); coding-DNA position 1264, G replaced by A.
Protein change: p.Ala422Thr; replaces alanine 422 with threonine.
Molecular consequence: missense variant.
Genome position (GRCh38, 1-based): chr7:151,001,261, G>A. VCF-style: chr7-151001261-G-A. GRCh37 (hg19) VCF-style: chr7-150698349-G-A.
Other names: c.1264G>A, p.Ala422Thr (NM_001160109.2, NM_001160110.1, NM_001160111.1); short protein forms A422T.
Identifiers: ClinVar variation 719909 (VCV000719909.30), dbSNP rs150935488, ClinGen allele CA4566928.
Genomic context (GRCh38, chr7:151,001,261, plus strand): 5'-TGAGCCTCTCCCCCTCTCTCTCCCTTCCAGCTAGCCAAAGTCACCATCGTGGACCACCAC[G>A]CCGCCACGGCCTCTTTCATGAAGCACCTGGAGAATGAGCAGAAGGCCAGGGGGGGCTGCC-3'
Protein context (NP_000594.2, residues 412-432): LAKVTIVDHH[Ala422Thr]ATASFMKHLE

ClinVar aggregate classification (germline): Likely benign. Review status: criteria provided, multiple submitters, no conflicts (2 of 4 stars). 4 submissions from 4 submitters: Likely benign (3). 1 of the submissions does not count toward it. Last evaluated 2025-04-01.

Conditions:
NOS3-related disorder. Also called: NOS3-related condition.

Allele frequency attached by ClinVar (database versions not stated): 1000 Genomes Project 0.00080; 1000 Genomes Project 30x 0.00125; TOPMed 0.00276; gnomAD 0.00328 and 0.00337; ESP Exome Variant Server 0.00338; gnomAD exomes 0.00385; ExAC 0.00388.
gnomAD v4.1: 6,267 of 1,613,560 alleles (0.39%); highest among the groups gnomAD compares: Non-Finnish European, 0.42%; 21 homozygotes.

Submissions (4):

CeGaT Center for Human Genetics Tuebingen
Classification: Likely benign. Last evaluated: 2025-04-01. Review status: criteria provided, single submitter. Criteria: CeGaT Center For Human Genetics Tuebingen Variant Classification Criteria Version 2. Collection method: clinical testing. Allele origin: germline. Affected: yes. Observed: 2 variant alleles.
Comment: NOS3: BS2

Labcorp Genetics (formerly Invitae), Labcorp
Classification: Likely benign. Last evaluated: 2019-12-31. Review status: criteria provided, single submitter. Criteria: Invitae Variant Classification Sherloc (09022015). Collection method: clinical testing. Allele origin: germline.

Breakthrough Genomics
Classification: Likely benign. Review status: criteria provided, single submitter. Criteria: ACMG Guidelines, 2015. Collection method: not provided. Allele origin: germline. Inheritance: Autosomal dominant inheritance. Affected: yes.

PreventionGenetics, part of Exact Sciences
Classification: Likely benign for NOS3-related condition. Last evaluated: 2020-09-26. Review status: no assertion criteria provided. Collection method: clinical testing. Allele origin: germline. Not counted in ClinVar's aggregate classification.
Comment: This variant is classified as likely benign based on ACMG/AMP sequence variant interpretation guidelines (Richards et al. 2015 PMID: 25741868, with internal and published modifications).